The following is an entry in ClinVar:

ClinVar aggregate classification (germline): Pathogenic. Review status: criteria provided, single submitter (1 of 4 stars). 3 submissions from 2 submitters: Pathogenic (1). 2 of the submissions do not count toward it. Last evaluated 2026-09-08.

Conditions:
Fabry disease. Also called: ALPHA-GALACTOSIDASE A DEFICIENCY; ANDERSON-FABRY DISEASE; CERAMIDE TRIHEXOSIDASE DEFICIENCY; Fabry's disease; Angiokeratoma corporis diffusum; Ceramide trihexosidosis. Identifiers: Orphanet 324, MedGen C0002986, MONDO:0010526, OMIM 301500, HP:0001071. Disease mechanism: loss of function, Fabry disease is due to inactivating mutations in the X-linked GLA gene resulting in deficiency of the enzyme Alpha Galactosidase-A..
Migalastat response. Also called: 1-Deoxygalactonojirimycin response; Galafold response. Identifiers: MedGen CN233149.

Submissions (3):

Genomenon, Inc
Classification: Pathogenic for Fabry disease. Last evaluated: 2026-09-08. Review status: criteria provided, single submitter. Criteria: Genomenon Sequence Variant Interpretation Standards - Updated. Collection method: curation. Allele origin: germline. Affected: yes.
Comment: GLA p.Tyr86His (c.256T>C) is a missense variant that changes the amino acid at codon 86 from Tyrosine to Histidine. This variant has been observed in at least one proband with clinical features consistent with Fabry disease (PMID:34745889;26415523;28723748;19925283;19843083). At least one functional study has demonstrated a substantial alteration in protein function relative to the wild-type (PMID:32023956;26415523;27657681). This variant is located in a mutational hotspot and/or important functional domain. It is absent or not present at a significant frequency in gnomAD. In silico models predict that this variant is possibly or probably damaging. In conclusion, we classify GLA p.Tyr86His (c.256T>C) as a pathogenic variant.

Albrecht-Kossel-Institute, Medical University Rostock
Classification: Pathogenic for Fabry's disease. Last evaluated: 2014-01-01. Review status: no assertion criteria provided. Collection method: research. Allele origin: inherited. Not counted in ClinVar's aggregate classification.

Albrecht-Kossel-Institute, Medical University Rostock
Classification: drug response for deoxygalactonojirimycin response. Last evaluated: 2014-01-01. Review status: no assertion criteria provided. Collection method: research. Allele origin: inherited. Not counted in ClinVar's aggregate classification.

Literature cited by the submitters: PubMed 34745889 (cited by Genomenon, Inc); PubMed 26415523 (cited by Genomenon, Inc and Albrecht-Kossel-Institute, Medical University Rostock); PubMed 28723748 (cited by Genomenon, Inc); PubMed 19925283 (cited by Genomenon, Inc); PubMed 19843083 (cited by Genomenon, Inc); PubMed 32023956 (cited by Genomenon, Inc); PubMed 27657681 (cited by Genomenon, Inc).

NM_000169.3(GLA):c.256T>C (p.Tyr86His)

Genes: GLA (galactosidase alpha; minus strand), RPL36A-HNRNPH2 (RPL36A-HNRNPH2 readthrough; plus strand). Cytogenetic location: Xq22.1.
Variant type: single nucleotide variant.
Coding change: c.256T>C on transcript NM_000169.3 (MANE Select); coding-DNA position 256, T replaced by C.
Protein change: p.Tyr86His; replaces tyrosine 86 with histidine.
Molecular consequence: missense variant. On other transcripts: non-coding transcript variant (3), intron variant (2).
Genome position (GRCh38, 1-based): chrX:101,403,924, A>G on the plus strand (T>C on the coding strand, the complement: GLA is on the minus strand). VCF-style: chrX-101403924-A-G. GRCh37 (hg19) VCF-style: chrX-100658912-A-G.
Other names: c.379T>C, p.Tyr127His (NM_001406747.1, NM_001406749.1); c.256T>C, p.Tyr86His (NM_001406748.1); c.301-8012A>G (NM_001199973.2); c.178-8012A>G (NM_001199974.2); short protein forms Y86H, Y127H.
Identifiers: ClinVar variation 217381 (VCV000217381.3), dbSNP rs869312140, ClinGen allele CA353138.